The following is an entry in ClinVar:

NM_000053.4(ATP7B):c.3662G>A (p.Gly1221Glu)

Gene: ATP7B (ATPase copper transporting beta; minus strand). Cytogenetic location: 13q14.3.
Variant type: single nucleotide variant.
Coding change: c.3662G>A on transcript NM_000053.4 (MANE Select); coding-DNA position 3662, G replaced by A.
Protein change: p.Gly1221Glu; replaces glycine 1221 with glutamic acid.
Molecular consequence: missense variant.
Genome position (GRCh38, 1-based): chr13:51,939,088, C>T on the plus strand (G>A on the coding strand, the complement: ATP7B is on the minus strand). VCF-style: chr13-51939088-C-T. GRCh37 (hg19) VCF-style: chr13-52513224-C-T.
Other names: c.3041G>A, p.Gly1014Glu (NM_001005918.3); c.3329G>A, p.Gly1110Glu (NM_001243182.2); c.3428G>A, p.Gly1143Glu (NM_001330578.2); c.3410G>A, p.Gly1137Glu (NM_001330579.2); short protein forms G1221E, G1143E, G1014E, G1110E, G1137E.
Identifiers: ClinVar variation 552337 (VCV000552337.9), dbSNP rs1486594906, ClinGen allele CA388023832.

ClinVar aggregate classification (germline): Pathogenic/Likely pathogenic. Review status: criteria provided, multiple submitters, no conflicts (2 of 4 stars). 8 submissions from 8 submitters: Pathogenic (3); Likely pathogenic (4). 1 of the submissions does not count toward it. Last evaluated 2026-04-06.

Conditions:
Wilson disease (WND). Also called: Wilson's disease. Identifiers: Orphanet 905, MedGen C0019202, MONDO:0010200, OMIM 277900. Disease mechanism: loss of function.
ATP7B-related disorder. Also called: ATP7B-related condition.

Allele frequency attached by ClinVar (database versions not stated): TOPMed 0.00001.
gnomAD v4.1: 84 of 1,614,236 alleles (0.0052%); highest among the groups gnomAD compares: Non-Finnish European, 0.007%; no homozygotes.

Submissions (8):

Women's Health and Genetics/Laboratory Corporation of America, LabCorp
Classification: Pathogenic for Wilson disease. Last evaluated: 2026-04-06. Review status: criteria provided, single submitter. Criteria: LabCorp Variant Classification Summary - May 2015. Collection method: clinical testing. Allele origin: germline.
Comment: Variant summary: ATP7B c.3662G>A (p.Gly1221Glu) results in a non-conservative amino acid change in the encoded protein sequence. Algorithms developed to predict the effect of missense changes on protein structure and function all suggest that this variant is likely to be disruptive. The variant was absent in 249590 control chromosomes. c.3662G>A has been observed in compound heterozygous state in multiple individuals affected with Wilson Disease (Coffey_2013, Nayagam_2023). These data indicate that the variant is very likely to be associated with disease. To our knowledge, no experimental evidence demonstrating an impact on protein function has been reported. The following publications have been ascertained in the context of this evaluation (PMID: 23518715, 16088907, 36096368). ClinVar contains an entry for this variant (Variation ID: 552337). Based on the evidence outlined above, the variant was classified as pathogenic.

Natera, Inc.
Classification: Likely pathogenic for Wilson disease. Last evaluated: 2025-09-15. Review status: criteria provided, single submitter. Criteria: Natera Variant Classification Schema (03/2026). Collection method: clinical testing. Allele origin: germline.
Comment: The c.3662G>A variant in ATP7B is a missense variant predicted to cause substitution of glycine to glutamic acid at amino acid 1221. This variant is rare in the general population with a frequency below the threshold expected for the associated phenotype(s). This variant has been observed in one or more individuals affected with the associated recessive disease, as either homozygous or compound heterozygous with a second variant (PMID: 23518715, 36096368). Computational prediction algorithms indicate this variant is likely to affect gene or protein function. Given the available evidence, this variant is classified as Likely Pathogenic.

Color Diagnostics, LLC DBA Color Health
Classification: Likely pathogenic for Wilson disease. Last evaluated: 2025-06-23. Review status: criteria provided, single submitter. Criteria: ACMG Guidelines, 2015. Collection method: clinical testing. Allele origin: germline.
Comment: This missense variant replaces glycine with glutamic acid at codon 1221 of the ATP7B protein. Computational prediction suggests that this variant may have deleterious impact on protein structure and function. This variant alters a conserved glycine residue in the phosphorylation domain of the ATP7B protein (a.a. 1197 - 1306), a highly conserved region that is considered to be important for ATP7B protein function (PMID: 35245129ClinVar). To our knowledge, functional studies have not been reported for this variant. This variant has been observed in individuals affected with autosomal recessive Wilson disease (PMID: 16088907, 23518715, 36096368), including five individuals in unknown phase with another pathogenic variant in the same gene (PMID: 23518715). This variant has not been identified in the general population by the Genome Aggregation Database (gnomAD). Based on the available evidence, this variant is classified as Likely Pathogenic.

All of Us Research Program, National Institutes of Health
Classification: Likely pathogenic for Wilson disease. Last evaluated: 2024-09-27. Review status: criteria provided, single submitter. Criteria: ACMG Guidelines, 2015. Collection method: clinical testing. Allele origin: germline. Inheritance: Autosomal recessive inheritance. Observed: 3 variant alleles, 3 heterozygotes.
Comment: This missense variant replaces glycine with glutamic acid at codon 1221 of the ATP7B protein. Computational prediction suggests that this variant may have deleterious impact on protein structure and function (internally defined REVEL score threshold >= 0.7, PMID: 27666373). This variant alters a conserved glycine residue in the phosphorylation domain of the ATP7B protein (a.a. 1197 - 1306), a highly conserved region that is considered to be important for ATP7B protein function (PMID: 35245129; ClinVar). To our knowledge, functional studies have not been reported for this variant. This variant has been observed in individuals affected with autosomal recessive Wilson disease (PMID: 16088907, 23518715, 36096368), including five individuals in unknown phase with another pathogenic variant in the same gene (PMID: 23518715). This variant has not been identified in the general population by the Genome Aggregation Database (gnomAD). Based on the available evidence, this variant is classified as Likely Pathogenic.

This study involves interpretation of variants in research participants for the purpose of population health screening. Participant phenotype was not available at the time of variant classification. Additional details can be found in publication PMID: 35346344, PMCID: PMC8962531

Baylor Genetics
Classification: Pathogenic for Wilson disease. Last evaluated: 2023-03-25. Review status: criteria provided, single submitter. Criteria: ACMG Guidelines, 2015. Collection method: clinical testing. Allele origin: unknown.

Blueprint Genetics
Classification: Likely pathogenic for ATP7B-related disorders. Last evaluated: 2021-11-15. Review status: criteria provided, single submitter. Criteria: ACMG Guidelines, 2015. Collection method: clinical testing. Allele origin: germline. Affected: yes. Observed: 1 variant allele.

Laboratory for Molecular Medicine, Mass General Brigham Personalized Medicine
Classification: Pathogenic for Wilson disease. Last evaluated: 2020-06-11. Review status: criteria provided, single submitter. Criteria: ACMG Guidelines, 2015. Collection method: clinical testing. Allele origin: germline.
Comment: The p.Gly1221Glu variant in ATP7B has been reported in 7 probands with Wilson disease, including 5 compound heterozygous individuals (Coffey 2013, Cox 2005). This variant was absent from large population studies. Computational prediction tools and conservation analysis suggest that this variant may impact the protein. In summary, this variant meets criteria to be classified as pathogenic for autosomal recessive Wilson disease. ACMG/AMP criteria applied: PM3_VeryStrong, PM2, PP3, PP4.

Counsyl
Classification: Likely pathogenic for Wilson disease. Last evaluated: 2017-06-07. Review status: no assertion criteria provided. Collection method: clinical testing. Allele origin: unknown. Not counted in ClinVar's aggregate classification.

Literature cited by the submitters: PubMed 16088907 (cited by 5 submitters); PubMed 23518715 (cited by 6 submitters); PubMed 36096368 (cited by 4 submitters); PubMed 35245129 (cited by Color Diagnostics, LLC DBA Color Health and All of Us Research Program, National Institutes of Health).